The following is an entry in ClinVar:

ClinVar aggregate classification (germline): Likely pathogenic (1 of 4 stars; one submission).

Conditions:
Cardiovascular phenotype. Identifiers: MedGen CN230736.

Submission:

Ambry Genetics
Classification: Likely pathogenic for Cardiovascular phenotype. Last evaluated: 2026-06-16. Review status: criteria provided, single submitter. Criteria: Ambry Variant Classification Scheme 2023. Collection method: clinical testing. Allele origin: germline.
Comment: The c.75930delA variant, located in coding exon 185 of the TTN gene, results from a deletion of one nucleotide at nucleotide position 75930, causing a translational frameshift with a predicted alternate stop codon (p.E25311Kfs*19). This exon is located in the M-band region of the N2-B isoform of the titin protein and is constitutively expressed in TTN transcripts (percent spliced in or PSI 100%). This variant is considered to be rare based on population cohorts in the Genome Aggregation Database (gnomAD). This variant is expected to result in loss of function by premature protein truncation or nonsense-mediated mRNA decay. While truncating variants in TTN are present in 1-3% of the general population, truncating variants in the M-band have been reported in association with autosomal recessive titinopathies, primarily presenting with skeletal myopathy phenotypes (Ceyhan-Birsoy O et al. Neurology. 2013 Oct 1;81(14):1205-14; De Cid R et al. Neurology. 2015;85(24):2126-35). Truncating variants in coding exon 185 of the M-band of the N2-B isoform have also been specifically associated with autosomal dominant dilated cardiomyopathy (Vatta M et al. Circ GenomPrecis Med. 2025 Feb:e004982). More generally, TTN truncating variants encoded in constitutive exons (PSI >90%) have been found to be significantly associated with dilated cardiomyopathy (DCM) regardless of their position, although truncating variants in the A-band are the most common cause of DCM (Herman DS et al. N. Engl. J. Med., 2012 Feb;366:619-28; Roberts AM et al. Sci Transl Med, 2015 Jan;7:270ra6; Schafer S et al. Nat. Genet., 2017 01;49:46-53; Akhtar MM et al. Circ Heart Fail, 2020 Oct;13:e006832; Massier M et al. Clin Genet, 2025 Jan). Based on the majority of available evidence to date, this variant is likely to be pathogenic.

NM_001267550.2(TTN):c.103125del (p.Glu34376fs)

Genes: TTN (titin; minus strand), TTN-AS1 (TTN antisense RNA 1; plus strand). Cytogenetic location: 2q31.2.
Variant type: Deletion.
Coding change: c.103125del on transcript NM_001267550.2 (MANE Select); coding-DNA position 103125, one base deleted (A; older notation c.103125delA).
Protein change: p.Glu34376fs; shifts the reading frame from glutamic acid 34376.
Molecular consequence: frameshift variant.
Genome position (GRCh38, 1-based): chr2:178,533,490, T deleted on the plus strand (A on the coding strand, the reverse complement: TTN is on the minus strand); the first of 2 consecutive T bases (chr2:178,533,490-178,533,491); deleting either gives the same sequence. VCF-style (leftmost placement, unchanged base first): chr2-178533489-CT-C. GRCh37 (hg19) VCF-style: chr2-179398216-CT-C.
Other names: c.98202del, p.Glu32735fs (NM_001256850.1); c.75930del, p.Glu25311fs (NM_003319.4); c.95421del, p.Glu31808fs (NM_133378.4); c.76305del, p.Glu25436fs (NM_133432.3); c.76506del, p.Glu25503fs (NM_133437.4); c.75930delA (NM_003319.4); short protein forms E25311fs, E25436fs, E25503fs, E31808fs, E32735fs, E34376fs.
Identifiers: ClinVar variation 5031442 (VCV005031442.1).